The following is an entry in ClinVar:

ClinVar aggregate classification (germline): Uncertain significance (1 of 4 stars; one submission).

Conditions:
Capillary malformation-arteriovenous malformation syndrome. Also called: Capillary malformation-arteriovenous malformation. Identifiers: Orphanet 137667, MedGen C1842180, MONDO:0012016.

gnomAD v4.1: 1 of 1,614,056 alleles (0.000062%); highest among the groups gnomAD compares: Non-Finnish European, 0.000085%; no homozygotes.

Submission:

Labcorp Genetics (formerly Invitae), Labcorp
Classification: Uncertain significance for Capillary malformation-arteriovenous malformation syndrome. Last evaluated: 2022-05-09. Review status: criteria provided, single submitter. Criteria: Invitae Variant Classification Sherloc (09022015). Collection method: clinical testing. Allele origin: germline.
Comment: In summary, the available evidence is currently insufficient to determine the role of this variant in disease. Therefore, it has been classified as a Variant of Uncertain Significance. Algorithms developed to predict the effect of missense changes on protein structure and function are either unavailable or do not agree on the potential impact of this missense change (SIFT: "Tolerated"; PolyPhen-2: "Possibly Damaging"; Align-GVGD: "Class C0"). This variant has not been reported in the literature in individuals affected with RASA1-related conditions. This variant is not present in population databases (gnomAD no frequency). This sequence change replaces alanine, which is neutral and non-polar, with valine, which is neutral and non-polar, at codon 148 of the RASA1 protein (p.Ala148Val).

NM_002890.3(RASA1):c.443C>T (p.Ala148Val)

Gene: RASA1 (RAS p21 protein activator 1; plus strand). Cytogenetic location: 5q14.3.
Variant type: single nucleotide variant.
Coding change: c.443C>T on transcript NM_002890.3 (MANE Select); coding-DNA position 443, C replaced by T.
Protein change: p.Ala148Val; replaces alanine 148 with valine.
Molecular consequence: missense variant.
Genome position (GRCh38, 1-based): chr5:87,268,894, C>T. VCF-style: chr5-87268894-C-T. GRCh37 (hg19) VCF-style: chr5-86564711-C-T.
Other names: short protein forms A148V.
Identifiers: ClinVar variation 1964805 (VCV001964805.5), dbSNP rs1753695960, ClinGen allele CA360417399.